The following is an entry in ClinVar:

ClinVar aggregate classification (germline): Pathogenic (1 of 4 stars; one submission).

Conditions:
Ehlers-Danlos syndrome, classic type, 1 (EDSCL1). Also called: Ehlers-Danlos syndrome, type 1; Ehlers-Danlos Syndrome, Classic Type, COL5A1-Related; EDS I; EHLERS-DANLOS SYNDROME, GRAVIS TYPE; EHLERS-DANLOS SYNDROME, SEVERE CLASSIC TYPE. Identifiers: MedGen C0268335, MONDO:0019567, OMIM 130000.

Submission:

Labcorp Genetics (formerly Invitae), Labcorp
Classification: Pathogenic for Ehlers-Danlos syndrome, classic type, 1. Last evaluated: 2019-12-01. Review status: criteria provided, single submitter. Criteria: Invitae Variant Classification Sherloc (09022015). Collection method: clinical testing. Allele origin: germline.
Comment: For these reasons, this variant has been classified as Pathogenic. Loss-of-function variants in COL5A1 are known to be pathogenic (PMID: 23587214). This variant has not been reported in the literature in individuals with COL5A1-related conditions. This variant is not present in population databases (ExAC no frequency). This sequence change creates a premature translational stop signal (p.Ile1101Serfs*175) in the COL5A1 gene. It is expected to result in an absent or disrupted protein product.

Literature cited by the submitters: PubMed 23587214.

NM_000093.5(COL5A1):c.3297del (p.Ile1101fs)

Gene: COL5A1 (collagen type V alpha 1 chain; plus strand). Cytogenetic location: 9q34.3.
Variant type: Deletion.
Coding change: c.3297del on transcript NM_000093.5 (MANE Select); coding-DNA position 3297, one base deleted (G; older notation c.3297delG).
Protein change: p.Ile1101fs; shifts the reading frame from isoleucine 1101.
Molecular consequence: frameshift variant.
Genome position (GRCh38, 1-based): chr9:134,806,227, G deleted; the last of 3 consecutive G bases (chr9:134,806,225-134,806,227); deleting any one gives the same sequence. VCF-style (leftmost placement, unchanged base first): chr9-134806224-TG-T. GRCh37 (hg19) VCF-style: chr9-137698070-TG-T.
Other names: c.3297del, p.Ile1101fs (NM_001278074.1); short protein forms I1101fs.
Identifiers: ClinVar variation 854017 (VCV000854017.9), dbSNP rs1838291478, ClinGen allele CA916083077.